The following is an entry in ClinVar:

ClinVar aggregate classification (germline): Uncertain significance (1 of 4 stars; one submission).

Conditions:
Norman-Roberts syndrome (LIS2). Also called: Lissencephaly 2 (Norman-Roberts type). Identifiers: Orphanet 89844, MedGen C0796089, MONDO:0009760, OMIM 257320.
Familial temporal lobe epilepsy 7. Identifiers: Orphanet 101046, MedGen C4225327, MONDO:0014639, OMIM 616436.

gnomAD v4.1: 2 of 1,613,868 alleles (0.00012%); highest among the groups gnomAD compares: Non-Finnish European, 0.000085%; no homozygotes.

Submission:

Labcorp Genetics (formerly Invitae), Labcorp
Classification: Uncertain significance for Familial temporal lobe epilepsy 7; Norman-Roberts syndrome. Last evaluated: 2022-06-24. Review status: criteria provided, single submitter. Criteria: Invitae Variant Classification Sherloc (09022015). Collection method: clinical testing. Allele origin: germline.
Comment: In summary, the available evidence is currently insufficient to determine the role of this variant in disease. Therefore, it has been classified as a Variant of Uncertain Significance. Algorithms developed to predict the effect of missense changes on protein structure and function are either unavailable or do not agree on the potential impact of this missense change (SIFT: "Deleterious"; PolyPhen-2: "Probably Damaging"; Align-GVGD: "Class C0"). This variant has not been reported in the literature in individuals affected with RELN-related conditions. This variant is present in population databases (no rsID available, gnomAD 0.0009%). This sequence change replaces glycine, which is neutral and non-polar, with alanine, which is neutral and non-polar, at codon 1088 of the RELN protein (p.Gly1088Ala).

NM_005045.4(RELN):c.3263G>C (p.Gly1088Ala)

Gene: RELN (reelin; minus strand). Cytogenetic location: 7q22.1.
Variant type: single nucleotide variant.
Coding change: c.3263G>C on transcript NM_005045.4 (MANE Select); coding-DNA position 3263, G replaced by C.
Protein change: p.Gly1088Ala; replaces glycine 1088 with alanine.
Molecular consequence: missense variant.
Genome position (GRCh38, 1-based): chr7:103,603,374, C>G on the plus strand (G>C on the coding strand, the complement: RELN is on the minus strand). VCF-style: chr7-103603374-C-G. GRCh37 (hg19) VCF-style: chr7-103243821-C-G.
Other names: c.3263G>C, p.Gly1088Ala (NM_173054.3); short protein forms G1088A.
Identifiers: ClinVar variation 2010207 (VCV002010207.4), dbSNP rs1213532831, ClinGen allele CA368763014.